The following is an entry in ClinVar:

NM_130837.3(OPA1):c.1554A>G (p.Ile518Met)

Gene: OPA1 (OPA1 mitochondrial dynamin like GTPase; plus strand). Cytogenetic location: 3q29.
Variant type: single nucleotide variant.
Coding change: c.1554A>G on transcript NM_130837.3 (MANE Select); coding-DNA position 1554, A replaced by G.
Protein change: p.Ile518Met; replaces isoleucine 518 with methionine.
Molecular consequence: missense variant.
Genome position (GRCh38, 1-based): chr3:193,644,051, A>G. VCF-style: chr3-193644051-A-G. GRCh37 (hg19) VCF-style: chr3-193361840-A-G.
Other names: c.1020A>G, p.Ile340Met (NM_001354663.2); c.1017A>G, p.Ile339Met (NM_001354664.2); c.1389A>G, p.Ile463Met (NM_015560.3); c.1281A>G, p.Ile427Met (NM_130831.3); c.1335A>G, p.Ile445Met (NM_130832.3); c.1392A>G, p.Ile464Met (NM_130833.3); c.1443A>G, p.Ile481Met (NM_130834.3); c.1446A>G, p.Ile482Met (NM_130835.3); and 1 more; short protein forms I427M, I464M, I482M, I463M, I518M, I340M, I445M, I339M.
Identifiers: ClinVar variation 2747006 (VCV002747006.3), dbSNP rs764645111, ClinGen allele CA2759407.
Genomic context (GRCh38, chr3:193,644,051, plus strand): 5'-TGAACGCAGTATTGTTACAGACTTGGTCAGTCAAATGGACCCTCATGGAAGGAGAACCAT[A>G]TTCGTTTTGACCAAAGTAGACCTGGCAGAGAAAAATGTAGCCAGTCCAAGCAGGGTGAGG-3'
Protein context (NP_570850.2, residues 508-528): SQMDPHGRRT[Ile518Met]FVLTKVDLAE

ClinVar aggregate classification (germline): Uncertain significance (1 of 4 stars; one submission).

gnomAD v4.1: 5 of 1,613,908 alleles (0.00031%); highest among the groups gnomAD compares: South Asian, 0.0044%; no homozygotes.

Submission:

Labcorp Genetics (formerly Invitae), Labcorp
Classification: Uncertain significance. Last evaluated: 2023-08-27. Review status: criteria provided, single submitter. Criteria: Invitae Variant Classification Sherloc (09022015). Collection method: clinical testing. Allele origin: germline.
Comment: In summary, the available evidence is currently insufficient to determine the role of this variant in disease. Therefore, it has been classified as a Variant of Uncertain Significance. Advanced modeling of protein sequence and biophysical properties (such as structural, functional, and spatial information, amino acid conservation, physicochemical variation, residue mobility, and thermodynamic stability) performed at Invitae indicates that this missense variant is expected to disrupt OPA1 protein function. This variant has not been reported in the literature in individuals affected with OPA1-related conditions. This variant is present in population databases (rs764645111, gnomAD 0.006%). This sequence change replaces isoleucine, which is neutral and non-polar, with methionine, which is neutral and non-polar, at codon 463 of the OPA1 protein (p.Ile463Met).